The following is an entry in ClinVar:

NM_001042492.3(NF1):c.4229T>G (p.Phe1410Cys)

Gene: NF1 (neurofibromin 1; plus strand). Cytogenetic location: 17q11.2.
Variant type: single nucleotide variant.
Coding change: c.4229T>G on transcript NM_001042492.3 (MANE Select); coding-DNA position 4229, T replaced by G.
Protein change: p.Phe1410Cys; replaces phenylalanine 1410 with cysteine.
Molecular consequence: missense variant.
Genome position (GRCh38, 1-based): chr17:31,258,399, T>G. VCF-style: chr17-31258399-T-G. GRCh37 (hg19) VCF-style: chr17-29585417-T-G.
Other names: c.4166T>G, p.Phe1389Cys (NM_000267.4); short protein forms F1389C, F1410C.
Identifiers: ClinVar variation 4800763 (VCV004800763.1).

ClinVar aggregate classification (germline): Uncertain significance (1 of 4 stars; one submission).

Conditions:
Neurofibromatosis, type 1 (NF1). Also called: VON RECKLINGHAUSEN DISEASE; Neurofibromatosis, type I; NEUROFIBROMATOSIS, TYPE I, SOMATIC; Peripheral type neurofibromatosis. Identifiers: Orphanet 636, MedGen C0027831, MONDO:0018975, OMIM 162200. Disease mechanism: loss of function.

Submission:

Labcorp Genetics (formerly Invitae), Labcorp
Classification: Uncertain significance for Neurofibromatosis, type 1. Last evaluated: 2025-08-29. Review status: criteria provided, single submitter. Criteria: Invitae Variant Classification Sherloc (09022015). Collection method: clinical testing. Allele origin: germline.
Comment: This sequence change replaces phenylalanine, which is neutral and non-polar, with cysteine, which is neutral and slightly polar, at codon 1389 of the NF1 protein (p.Phe1389Cys). This variant is not present in population databases (gnomAD no frequency). This variant has not been reported in the literature in individuals affected with NF1-related conditions. Invitae Evidence Modeling of protein sequence and biophysical properties (such as structural, functional, and spatial information, amino acid conservation, physicochemical variation, residue mobility, and thermodynamic stability) indicates that this missense variant is expected to disrupt NF1 protein function with a positive predictive value of 95%. In summary, the available evidence is currently insufficient to determine the role of this variant in disease. Therefore, it has been classified as a Variant of Uncertain Significance.